The following is an entry in ClinVar:

NM_032447.5(FBN3):c.4020T>C (p.Asn1340=)

Gene: FBN3 (fibrillin 3; minus strand). Cytogenetic location: 19p13.2.
Variant type: single nucleotide variant.
Coding change: c.4020T>C on transcript NM_032447.5 (MANE Select); coding-DNA position 4020, T replaced by C.
Protein change: p.Asn1340=; no amino-acid change (asparagine 1340 retained).
Molecular consequence: synonymous variant.
Genome position (GRCh38, 1-based): chr19:8,111,712, A>G on the plus strand (T>C on the coding strand, the complement: FBN3 is on the minus strand). VCF-style: chr19-8111712-A-G. GRCh37 (hg19) VCF-style: chr19-8176596-A-G.
Other names: c.4020T>C (NM_001321431.1); c.4020T>C, p.Asn1340= (NM_001321431.2).
Identifiers: ClinVar variation 736399 (VCV000736399.34), dbSNP rs141016150, ClinGen allele CA9152226.

ClinVar aggregate classification (germline): Benign/Likely benign. Review status: criteria provided, multiple submitters, no conflicts (2 of 4 stars). 4 submissions from 4 submitters: Benign (2); Likely benign (1). 1 of the submissions does not count toward it. Last evaluated 2025-11-15.

Conditions:
FBN3-related disorder. Also called: FBN3-related condition.

Allele frequency attached by ClinVar (database versions not stated): ESP Exome Variant Server 0.00246; gnomAD 0.00249 and 0.00233; TOPMed 0.00257; 1000 Genomes Project 30x 0.00281; 1000 Genomes Project 0.00319; gnomAD exomes 0.00020 and 0.00066; ExAC 0.00080.
gnomAD v4.1: 666 of 1,583,444 alleles (0.042%); highest among the groups gnomAD compares: African/African-American, 0.78%; 3 homozygotes.

Submissions (4):

Labcorp Genetics (formerly Invitae), Labcorp
Classification: Benign. Last evaluated: 2025-11-15. Review status: criteria provided, single submitter. Criteria: Invitae Variant Classification Sherloc (09022015). Collection method: clinical testing. Allele origin: germline.

CeGaT Center for Human Genetics Tuebingen
Classification: Likely benign. Last evaluated: 2022-05-01. Review status: criteria provided, single submitter. Criteria: CeGaT Center For Human Genetics Tuebingen Variant Classification Criteria Version 2. Collection method: clinical testing. Allele origin: germline. Affected: yes. Observed: 1 variant allele.
Comment: FBN3: BP4, BP7

Breakthrough Genomics
Classification: Benign. Review status: criteria provided, single submitter. Criteria: ACMG Guidelines, 2015. Collection method: not provided. Allele origin: germline. Inheritance: Unknown mechanism. Affected: yes.

PreventionGenetics, part of Exact Sciences
Classification: Benign for FBN3-related condition. Last evaluated: 2019-03-04. Review status: no assertion criteria provided. Collection method: clinical testing. Allele origin: germline. Not counted in ClinVar's aggregate classification.
Comment: This variant is classified as benign based on ACMG/AMP sequence variant interpretation guidelines (Richards et al. 2015 PMID: 25741868, with internal and published modifications).